The following is an entry in ClinVar:

NM_001267550.2(TTN):c.76543G>C (p.Glu25515Gln)

Genes: TTN (titin; minus strand), TTN-AS1 (TTN antisense RNA 1; plus strand). Cytogenetic location: 2q31.2.
Variant type: single nucleotide variant.
Coding change: c.76543G>C on transcript NM_001267550.2 (MANE Select); coding-DNA position 76543, G replaced by C.
Protein change: p.Glu25515Gln; replaces glutamic acid 25515 with glutamine.
Molecular consequence: missense variant.
Genome position (GRCh38, 1-based): chr2:178,569,589, C>G on the plus strand (G>C on the coding strand, the complement: TTN is on the minus strand). VCF-style: chr2-178569589-C-G. GRCh37 (hg19) VCF-style: chr2-179434316-C-G.
Other names: c.71620G>C, p.Glu23874Gln (NM_001256850.1); c.49348G>C, p.Glu16450Gln (NM_003319.4); c.68839G>C, p.Glu22947Gln (NM_133378.4); c.49723G>C, p.Glu16575Gln (NM_133432.3); c.49924G>C, p.Glu16642Gln (NM_133437.4); short protein forms E16450Q, E16575Q, E16642Q, E22947Q, E23874Q, E25515Q.
Identifiers: ClinVar variation 4279667 (VCV004279667.1).

ClinVar aggregate classification (germline): Uncertain significance (1 of 4 stars; one submission).

Conditions:
TTN-related disorder. Also called: TTN-related condition; TTN-related disease; TTN-related disorders.

Submission:

Daryl Scott Lab, Baylor College of Medicine
Classification: Uncertain significance for TTN-related disorder. Review status: criteria provided, single submitter. Criteria: ACMG Guidelines, 2015. Collection method: clinical testing. Allele origin: maternal. Affected: yes. Observed: 1 compound heterozygote.
Comment: PM2, PP3